The following is an entry in ClinVar:

ClinVar aggregate classification (germline): Benign/Likely benign. Review status: criteria provided, multiple submitters, no conflicts (2 of 4 stars). 3 submissions from 3 submitters: Benign (1); Likely benign (2). Last evaluated 2026-01-19.

Conditions:
Junctional epidermolysis bullosa, non-Herlitz type. Also called: EPIDERMOLYSIS BULLOSA JUNCTIONALIS, DISENTIS TYPE; EPIDERMOLYSIS BULLOSA JUNCTIONALIS, NON-HERLITZ TYPE; EPIDERMOLYSIS BULLOSA JUNCTIONALIS, PROGRESSIVE; EPIDERMOLYSIS BULLOSA JUNCTIONALIS, SEVERE NONLETHAL; Adult junctional epidermolysis bullosa; COL17A1-Related Junctional Epidermolysis Bullosa. Identifiers: Orphanet 251393, Orphanet 79402, Orphanet 79405, Orphanet 89840, MedGen C0268374, MONDO:0009180, OMIM 226650.
COL17A1-related disorder. Also called: COL17A1-related condition.

Allele frequency attached by ClinVar (database versions not stated): gnomAD 0.00011 and 0.00013; gnomAD exomes 0.00019 and 0.00071; TOPMed 0.00026; ExAC 0.00049.
gnomAD v4.1: 288 of 1,610,966 alleles (0.018%); highest among the groups gnomAD compares: Admixed American, 0.3%; no homozygotes.

Submissions (3):

Labcorp Genetics (formerly Invitae), Labcorp
Classification: Benign. Last evaluated: 2026-01-19. Review status: criteria provided, single submitter. Criteria: Invitae Variant Classification Sherloc (09022015). Collection method: clinical testing. Allele origin: germline.

PreventionGenetics, part of Exact Sciences
Classification: Likely benign for COL17A1-related condition. Last evaluated: 2025-08-12. Review status: criteria provided, single submitter. Criteria: ACMG Guidelines, 2015. Collection method: clinical testing. Allele origin: germline.
Comment: This variant is classified as likely benign based on ACMG/AMP sequence variant interpretation guidelines (Richards et al. 2015 PMID: 25741868, with internal and published modifications).

Illumina Laboratory Services, Illumina
Classification: Likely benign for Junctional epidermolysis bullosa, non-Herlitz type. Last evaluated: 2018-01-13. Review status: criteria provided, single submitter. Criteria: ICSL Variant Classification Criteria 13 December 2019. Collection method: clinical testing. Allele origin: germline.
Comment: This variant was observed in the ICSL laboratory as part of a predisposition screen in an ostensibly healthy population. It had not been previously curated by ICSL or reported in the Human Gene Mutation Database (HGMD: prior to June 1st, 2018), and was therefore a candidate for classification through an automated scoring system. Utilizing variant allele frequency, disease prevalence and penetrance estimates, and inheritance mode, an automated score was calculated to assess if this variant is too frequent to cause the disease. Based on the score and internal cut-off values, a variant classified as likely benign is not then subjected to further curation. The score for this variant resulted in a classification of likely benign for this disease.

NM_000494.4(COL17A1):c.2586C>T (p.Pro862=)

Gene: COL17A1 (collagen type XVII alpha 1 chain; minus strand). Cytogenetic location: 10q25.1.
Variant type: single nucleotide variant.
Coding change: c.2586C>T on transcript NM_000494.4 (MANE Select); coding-DNA position 2586, C replaced by T.
Protein change: p.Pro862=; no amino-acid change (proline 862 retained).
Molecular consequence: synonymous variant.
Genome position (GRCh38, 1-based): chr10:104,041,504, G>A on the plus strand (C>T on the coding strand, the complement: COL17A1 is on the minus strand). VCF-style: chr10-104041504-G-A. GRCh37 (hg19) VCF-style: chr10-105801262-G-A.
Other names: c.2586C>T, p.Pro862= (LRG_1249t1).
Identifiers: ClinVar variation 298709 (VCV000298709.13), dbSNP rs759846848, ClinGen allele CA5678395.